The following is an entry in ClinVar:

ClinVar aggregate classification (germline): Conflicting classifications of pathogenicity. Review status: criteria provided, conflicting classifications (1 of 4 stars). 2 submissions from 2 submitters: Uncertain significance (1); Likely benign (1). Last evaluated 2025-12-15.

Submissions (2):

Labcorp Genetics (formerly Invitae), Labcorp
Classification: Uncertain significance. Last evaluated: 2025-12-15. Review status: criteria provided, single submitter. Criteria: Invitae Variant Classification Sherloc (09022015). Collection method: clinical testing. Allele origin: germline.
Comment: This variant, c.682_690del, results in the deletion of 3 amino acid(s) of the SON protein (p.Gln228_Val230del), but otherwise preserves the integrity of the reading frame. This variant is present in population databases (rs778055557, gnomAD 0.008%). This variant has not been reported in the literature in individuals affected with SON-related conditions. ClinVar contains an entry for this variant (Variation ID: 2988620). Experimental studies and prediction algorithms are not available or were not evaluated, and the functional significance of this variant is currently unknown. In summary, the available evidence is currently insufficient to determine the role of this variant in disease. Therefore, it has been classified as a Variant of Uncertain Significance.

Blueprint Genetics
Classification: Likely benign. Last evaluated: 2022-09-12. Review status: criteria provided, single submitter. Criteria: ACMG Guidelines, 2015. Collection method: clinical testing. Allele origin: germline.

NM_138927.4(SON):c.682_690del (p.Gln228_Val230del)

Gene: SON (SON DNA and RNA binding protein; plus strand). Cytogenetic location: 21q22.11.
Variant type: Deletion.
Coding change: c.682_690del on transcript NM_138927.4 (MANE Select); coding-DNA positions 682 to 690, 9 bases deleted (CAGTCTGTG; older notation c.682_690delCAGTCTGTG).
Protein change: p.Gln228_Val230del.
Molecular consequence: inframe deletion. On other transcripts: inframe indel (3), non-coding transcript variant (1), intron variant (1).
Genome position (GRCh38, 1-based): chr21:33,549,913-33,549,921, CAGTCTGTG deleted; deleting any 9 consecutive bases within chr21:33,549,912-33,549,921 gives the same sequence; the c. name uses the placement nearest the transcript's 3' end. VCF-style (leftmost placement, unchanged base first): chr21-33549911-AGCAGTCTGT-A. GRCh37 (hg19) VCF-style: chr21-34922217-AGCAGTCTGT-A.
Other names: c.682_690del, p.Gln228_Val230del (NM_001291411.2, NM_032195.3); c.682_690delCAGTCTGTG, p.Gln228_Val230del (NM_001412133.1, NM_058183.2, NM_138926.1); c.244+3534_244+3542del (NM_001291412.3).
Identifiers: ClinVar variation 2988620 (VCV002988620.4), dbSNP rs778055557, ClinGen allele CA10008733.